The following is an entry in ClinVar:

NM_001197104.2(KMT2A):c.5644T>A (p.Tyr1882Asn)

Gene: KMT2A (lysine methyltransferase 2A; plus strand). Cytogenetic location: 11q23.3.
Variant type: single nucleotide variant.
Coding change: c.5644T>A on transcript NM_001197104.2 (MANE Select); coding-DNA position 5644, T replaced by A.
Protein change: p.Tyr1882Asn; replaces tyrosine 1882 with asparagine.
Molecular consequence: missense variant.
Genome position (GRCh38, 1-based): chr11:118,496,347, T>A. VCF-style: chr11-118496347-T-A. GRCh37 (hg19) VCF-style: chr11-118367062-T-A.
Other names: c.5734T>A, p.Tyr1912Asn (NM_001412597.1); c.5635T>A, p.Tyr1879Asn (NM_005933.4); short protein forms Y1879N, Y1882N, Y1912N.
Identifiers: ClinVar variation 3686506 (VCV003686506.2).
Genomic context (GRCh38, chr11:118,496,347, plus strand): 5'-CCAGAGCTGAACCCACCCCCAGGCATAGAAGACAATAGACAGTGTGCGTTATGTTTGACT[T>A]ATGGTGATGACAGTGCTAATGTAAGTACTTTGCAACACAGGGCCCTAGTTAATACATACT-3'
Protein context (NP_001184033.1, residues 1872-1892): DNRQCALCLT[Tyr1882Asn]GDDSANDAGR

ClinVar aggregate classification (germline): Uncertain significance (1 of 4 stars; one submission).

Submission:

Labcorp Genetics (formerly Invitae), Labcorp
Classification: Uncertain significance. Last evaluated: 2024-04-01. Review status: criteria provided, single submitter. Criteria: Invitae Variant Classification Sherloc (09022015). Collection method: clinical testing. Allele origin: germline.
Comment: This sequence change replaces tyrosine, which is neutral and polar, with asparagine, which is neutral and polar, at codon 1882 of the KMT2A protein (p.Tyr1882Asn). This variant is not present in population databases (gnomAD no frequency). This variant has not been reported in the literature in individuals affected with KMT2A-related conditions. Advanced modeling of protein sequence and biophysical properties (such as structural, functional, and spatial information, amino acid conservation, physicochemical variation, residue mobility, and thermodynamic stability) has been performed at Invitae for this missense variant, however the output from this modeling did not meet the statistical confidence thresholds required to predict the impact of this variant on KMT2A protein function. In summary, the available evidence is currently insufficient to determine the role of this variant in disease. Therefore, it has been classified as a Variant of Uncertain Significance.